The following is an entry in ClinVar:

ClinVar aggregate classification (germline): Uncertain significance (1 of 4 stars; one submission).

Conditions:
MSH6-related disorder. Also called: MSH6-related condition; MSH6-Related disorders.

Submission:

PreventionGenetics, part of Exact Sciences
Classification: Uncertain significance for MSH6-related condition. Last evaluated: 2023-01-17. Review status: criteria provided, single submitter. Criteria: ACMG Guidelines, 2015. Collection method: clinical testing. Allele origin: germline.
Comment: The MSH6 c.185_186delinsCA variant is predicted to result in an in-frame deletion and insertion. To our knowledge, this variant has not been reported in the literature or in a large population database, indicating this variant is rare. At this time, the clinical significance of this variant is uncertain due to the absence of conclusive functional and genetic evidence.

NM_000179.3(MSH6):c.185_186delinsCA (p.Arg62Pro)

Gene: MSH6 (mutS homolog 6; plus strand). Cytogenetic location: 2p16.3.
Variant type: Indel.
Coding change: c.185_186delinsCA on transcript NM_000179.3 (MANE Select); coding-DNA positions 185 to 186, GC replaced by CA.
Protein change: p.Arg62Pro; replaces arginine 62 with proline.
Molecular consequence: missense variant. On other transcripts: 5 prime UTR variant (7), non-coding transcript variant (5), intron variant (5).
Genome position (GRCh38, 1-based): chr2:47,783,418-47,783,419, GC replaced by CA. VCF-style: chr2-47783418-GC-CA. GRCh37 (hg19) VCF-style: chr2-48010557-GC-CA.
Other names: c.185_186delGCinsCA, p.Arg62Pro (NM_000179.2); c.185_186delinsCA, p.Arg62Pro (NM_001281492.2, NM_001406795.1, NM_001406796.1 and 9 more transcripts); c.-552_-551delinsCA (NM_001281493.2, NM_001406811.1); c.-144_-143delinsCA (NM_001406799.1); c.130_131delinsCA, p.Ala44His (NM_001406804.1); c.-744_-743delinsCA (NM_001406807.1); c.-399_-398delinsCA (NM_001406812.1); c.-810_-809delinsCA (NM_001406814.1); and 4 more; short protein forms A44H, R62P.
Identifiers: ClinVar variation 2629633 (VCV002629633.1), dbSNP rs2530321195, ClinGen allele CA2695200730.